The following is an entry in ClinVar:

NM_006206.6(PDGFRA):c.2627G>C (p.Ser876Thr)

Gene: PDGFRA (platelet derived growth factor receptor alpha; plus strand). Cytogenetic location: 4q12.
Variant type: single nucleotide variant.
Coding change: c.2627G>C on transcript NM_006206.6 (MANE Select); coding-DNA position 2627, G replaced by C.
Protein change: p.Ser876Thr; replaces serine 876 with threonine.
Molecular consequence: missense variant.
Genome position (GRCh38, 1-based): chr4:54,287,494, G>C. VCF-style: chr4-54287494-G-C. GRCh37 (hg19) VCF-style: chr4-55153661-G-C.
Other names: c.2702G>C, p.Ser901Thr (NM_001347828.2); c.2627G>C, p.Ser876Thr (NM_001347829.2); c.2666G>C, p.Ser889Thr (NM_001347830.2); short protein forms S901T, S876T, S889T.
Identifiers: ClinVar variation 3416448 (VCV003416448.1).

ClinVar aggregate classification (germline): Uncertain significance (1 of 4 stars; one submission).

Conditions:
Hereditary cancer-predisposing syndrome. Also called: Neoplastic Syndromes, Hereditary; Tumor predisposition; Hereditary Cancer Syndrome; Hereditary neoplastic syndrome. Identifiers: Orphanet 140162, MedGen C0027672, MeSH D009386, MONDO:0015356.

Submission:

Ambry Genetics
Classification: Uncertain significance for Hereditary cancer-predisposing syndrome. Last evaluated: 2024-12-01. Review status: criteria provided, single submitter. Criteria: Ambry Variant Classification Scheme 2023. Collection method: clinical testing. Allele origin: germline.
Comment: The p.S876T variant (also known as c.2627G>C), located in coding exon 18 of the PDGFRA gene, results from a G to C substitution at nucleotide position 2627. The serine at codon 876 is replaced by threonine, an amino acid with similar properties. This amino acid position is conserved. In addition, this alteration is predicted to be deleterious by in silico analysis. Based on the available evidence, the clinical significance of this variant remains unclear.